The following is an entry in ClinVar:

ClinVar aggregate classification (germline): Uncertain significance (1 of 4 stars; one submission).

Conditions:
MYLK-related disorder. Also called: MYLK-related condition.

Submission:

PreventionGenetics, part of Exact Sciences
Classification: Uncertain significance for MYLK-related condition. Last evaluated: 2025-04-24. Review status: criteria provided, single submitter. Criteria: ACMG Guidelines, 2015. Collection method: clinical testing. Allele origin: germline.
Comment: The MYLK c.3295G>T variant is predicted to result in the amino acid substitution p.Ala1099Ser. To our knowledge, this variant has not been reported in the literature or in a large population database (gnomAD), indicating this variant is rare. At this time, the clinical significance of this variant is uncertain due to the absence of conclusive functional and genetic evidence.

NM_053025.4(MYLK):c.3295G>T (p.Ala1099Ser)

Gene: MYLK (myosin light chain kinase; minus strand). Cytogenetic location: 3q21.1.
Variant type: single nucleotide variant.
Coding change: c.3295G>T on transcript NM_053025.4 (MANE Select); coding-DNA position 3295, G replaced by T.
Protein change: p.Ala1099Ser; replaces alanine 1099 with serine.
Molecular consequence: missense variant.
Genome position (GRCh38, 1-based): chr3:123,700,173, C>A on the plus strand (G>T on the coding strand, the complement: MYLK is on the minus strand). VCF-style: chr3-123700173-C-A. GRCh37 (hg19) VCF-style: chr3-123419020-C-A.
Other names: c.2767G>T, p.Ala923Ser (NM_001321309.2); c.3088G>T, p.Ala1030Ser (NM_053026.4, NM_053028.4); c.3295G>T, p.Ala1099Ser (NM_053027.4); short protein forms A923S, A1099S, A1030S.
Identifiers: ClinVar variation 4998355 (VCV004998355.1).